The following is an entry in ClinVar:

NM_020207.7(ERCC6L2):c.950+2T>G

Gene: ERCC6L2 (ERCC excision repair 6 like 2; plus strand). Cytogenetic location: 9q22.32.
Variant type: single nucleotide variant.
Coding change: c.950+2T>G on transcript NM_020207.7 (MANE Select); the canonical splice donor site of the intron after coding-DNA position 950, T replaced by G.
Molecular consequence: splice donor variant.
Genome position (GRCh38, 1-based): chr9:95,915,831, T>G. VCF-style: chr9-95915831-T-G. GRCh37 (hg19) VCF-style: chr9-98678113-T-G.
Other names: c.950+2T>G (NM_001375291.1, NM_001375292.1, NM_001375294.1 and 2 more transcripts).
Identifiers: ClinVar variation 1346429 (VCV001346429.7), dbSNP rs1829557865, ClinGen allele CA374122597.

ClinVar aggregate classification (germline): Likely pathogenic. Review status: criteria provided, multiple submitters, no conflicts (2 of 4 stars). 2 submissions from 2 submitters: Likely pathogenic (2). Last evaluated 2024-08-05.

Conditions:
ERCC6L2-related disorders.

Allele frequency attached by ClinVar (database versions not stated): gnomAD exomes below 0.00001; TOPMed below 0.00001.
gnomAD v4.1: 2 of 1,583,928 alleles (0.00013%); highest among the groups gnomAD compares: Non-Finnish European, 0.00017%; no homozygotes.

Submissions (2):

Labcorp Genetics (formerly Invitae), Labcorp
Classification: Likely pathogenic. Last evaluated: 2024-08-05. Review status: criteria provided, single submitter. Criteria: Invitae Variant Classification Sherloc (09022015). Collection method: clinical testing. Allele origin: germline.
Comment: This sequence change affects a donor splice site in intron 5 of the ERCC6L2 gene. It is expected to disrupt RNA splicing. Variants that disrupt the donor or acceptor splice site typically lead to a loss of protein function (PMID: 16199547), and loss-of-function variants in ERCC6L2 are known to be pathogenic (PMID: 24507776, 27185855, 29146883, 29987015). This variant is not present in population databases (gnomAD no frequency). This variant has not been reported in the literature in individuals affected with ERCC6L2-related conditions. ClinVar contains an entry for this variant (Variation ID: 1346429). Algorithms developed to predict the effect of sequence changes on RNA splicing suggest that this variant may disrupt the consensus splice site. In summary, the currently available evidence indicates that the variant is pathogenic, but additional data are needed to prove that conclusively. Therefore, this variant has been classified as Likely Pathogenic.

Blueprint Genetics
Classification: Likely pathogenic for ERCC6L2-related disorders. Last evaluated: 2020-11-03. Review status: criteria provided, single submitter. Criteria: ACMG Guidelines, 2015. Collection method: clinical testing. Allele origin: germline. Affected: yes. Observed: 1 variant allele.

Literature cited by the submitters: PubMed 16199547 (cited by Labcorp Genetics (formerly Invitae), Labcorp); PubMed 24507776 (cited by Labcorp Genetics (formerly Invitae), Labcorp); PubMed 27185855 (cited by Labcorp Genetics (formerly Invitae), Labcorp); PubMed 29146883 (cited by Labcorp Genetics (formerly Invitae), Labcorp); PubMed 29987015 (cited by Labcorp Genetics (formerly Invitae), Labcorp).